The following is an entry in ClinVar:

NM_000245.4(MET):c.814C>G (p.Gln272Glu)

Gene: MET (MET proto-oncogene, receptor tyrosine kinase; plus strand). Cytogenetic location: 7q31.2.
Variant type: single nucleotide variant.
Coding change: c.814C>G on transcript NM_000245.4 (MANE Select); coding-DNA position 814, C replaced by G.
Protein change: p.Gln272Glu; replaces glutamine 272 with glutamic acid.
Molecular consequence: missense variant. On other transcripts: intron variant (1).
Genome position (GRCh38, 1-based): chr7:116,699,898, C>G. VCF-style: chr7-116699898-C-G. GRCh37 (hg19) VCF-style: chr7-116339952-C-G.
Other names: c.814C>G, p.Gln272Glu (NM_001127500.3, NM_001324401.3); c.-91+27321C>G (NM_001324402.2); short protein forms Q272E.
Identifiers: ClinVar variation 3666319 (VCV003666319.2).

ClinVar aggregate classification (germline): Uncertain significance (1 of 4 stars; one submission).

Conditions:
Renal cell carcinoma. Identifiers: Orphanet 217071, MedGen C0007134, MeSH D002292, MONDO:0005086, HP:0005584.

Submission:

Labcorp Genetics (formerly Invitae), Labcorp
Classification: Uncertain significance for Renal cell carcinoma. Last evaluated: 2024-12-09. Review status: criteria provided, single submitter. Criteria: Invitae Variant Classification Sherloc (09022015). Collection method: clinical testing. Allele origin: germline.
Comment: This sequence change replaces glutamine, which is neutral and polar, with glutamic acid, which is acidic and polar, at codon 272 of the MET protein (p.Gln272Glu). This variant is not present in population databases (gnomAD no frequency). This variant has not been reported in the literature in individuals affected with MET-related conditions. Invitae Evidence Modeling of protein sequence and biophysical properties (such as structural, functional, and spatial information, amino acid conservation, physicochemical variation, residue mobility, and thermodynamic stability) has been performed for this missense variant. However, the output from this modeling did not meet the statistical confidence thresholds required to predict the impact of this variant on MET protein function. In summary, the available evidence is currently insufficient to determine the role of this variant in disease. Therefore, it has been classified as a Variant of Uncertain Significance.